The following is an entry in ClinVar:

ClinVar aggregate classification (germline): Pathogenic. Review status: criteria provided, multiple submitters, no conflicts (2 of 4 stars). 30 submissions from 29 submitters: Pathogenic (27). 3 of the submissions do not count toward it. Last evaluated 2025-09-24.

Conditions:
Multiple endocrine neoplasia type 2A. Also called: MULTIPLE ENDOCRINE NEOPLASIA, TYPE IIA; PTC SYNDROME; SIPPLE SYNDROME; MEN 2A; MEN-2A syndrome; Pheochromocytoma and amyloid producing medullary thyroid carcinoma. Identifiers: Orphanet 247698, Orphanet 653, MedGen C0025268, MeSH D018813, MONDO:0008234, OMIM 171400.
Pheochromocytoma. Also called: MAX-Related Hereditary Paraganglioma-Pheochromocytoma Syndrome. Identifiers: Orphanet 29072, MedGen C0031511, MONDO:0008233, OMIM 171300, HP:0002666.
Familial medullary thyroid carcinoma (MTC). Also called: Thyroid cancer, familial medullary; MTC, familial; Familial Medullary Thyroid Carcinoma (FMTC). Identifiers: Orphanet 653, Orphanet 99361, MedGen C1833921, MONDO:0007958, OMIM 155240.
Multiple endocrine neoplasia type 2B. Also called: MEN 2B; Multiple endocrine neoplasia, type 3; MULTIPLE ENDOCRINE NEOPLASIA, TYPE IIB; MUCOSAL NEUROMA SYNDROME; NEUROMATA, MUCOSAL, WITH ENDOCRINE TUMORS; WAGENMANN-FROBOESE SYNDROME. Identifiers: Orphanet 247709, Orphanet 653, MedGen C0025269, MeSH D018814, MONDO:0008082, OMIM 162300.
Hirschsprung disease, susceptibility to, 1 (HSCR1). Also called: RET-Related Hirschsprung Disease. Identifiers: Orphanet 388, MedGen C3888239, MONDO:0007723, OMIM 142623.
Medullary thyroid carcinoma (MTC). Also called: Medullary thyroid gland carcinoma. Identifiers: Orphanet 1332, MedGen C0238462, MeSH C536914, MONDO:0015277, HP:0002865.
Multiple endocrine neoplasia II.
RET-related disorder. Also called: RET-related condition; RET-related disease; RET-related disorders.
Hereditary cancer-predisposing syndrome. Also called: Neoplastic Syndromes, Hereditary; Tumor predisposition; Hereditary neoplastic syndrome; Hereditary Cancer Syndrome. Identifiers: Orphanet 140162, MedGen C0027672, MeSH D009386, MONDO:0015356.
MEN2 phenotype: Unclassified. Identifiers: MedGen CN311636.
Multiple endocrine neoplasia, type 2 (MEN2). Identifiers: Orphanet 653, MedGen C4048306, MONDO:0019003. Disease mechanism: gain of function.

Allele frequency attached by ClinVar (database versions not stated): gnomAD 0.00001; gnomAD exomes 0.00001; TOPMed 0.00001.
gnomAD v4.1: 14 of 1,613,876 alleles (0.00087%); highest among the groups gnomAD compares: Admixed American, 0.005%; no homozygotes.

Submissions 1 to 6 of 30:

Labcorp Genetics (formerly Invitae), Labcorp
Classification: Pathogenic for Multiple endocrine neoplasia, type 2. Last evaluated: 2025-09-24. Review status: criteria provided, single submitter. Criteria: Invitae Variant Classification Sherloc (09022015). Collection method: clinical testing. Allele origin: germline.
Comment: This sequence change replaces serine, which is neutral and polar, with alanine, which is neutral and non-polar, at codon 891 of the RET protein (p.Ser891Ala). This variant is present in population databases (rs75234356, gnomAD 0.006%). This missense change has been observed in individual(s) with medullary thyroid carcinoma (MTC), pheochromocytoma (PHEO), and parathyroid hyperplasia. According to the management guidelines of the American Thyroid Association (ATA), this variant is categorized as a moderate risk variant for MTC with ~10% incidence of PHEO or hyperparathyroidism (HPTH) (PMID: 9398735, 11739416, 19469690, 20554711, 23295303, 24449023, 24845513, 25810047). It has also been observed to segregate with disease in related individuals. ClinVar contains an entry for this variant (Variation ID: 13951). An algorithm developed to predict the effect of missense changes on protein structure and function (PolyPhen-2) suggests that this variant is likely to be disruptive. Experimental studies have shown that this missense change affects RET function (PMID: 10445857, 17209045, 26356818). For these reasons, this variant has been classified as Pathogenic.

Variantyx, Inc.
Classification: Pathogenic for Familial medullary thyroid carcinoma. Last evaluated: 2025-08-20. Review status: criteria provided, single submitter. Criteria: Variantyx Assertion Criteria 2022. Collection method: clinical testing. Allele origin: germline. Inheritance: Autosomal dominant inheritance. Affected: yes.
Comment: This is a nonsynonymous variant in the RET gene (OMIM: 164761). Pathogenic variants in this gene have been associated with autosomal dominant familial medullary thyroid carcinoma. The frequency of this variant in affected individuals is significantly increased compared to controls (PMID: 20516206 ) (PS4_Moderate). This variant has been observed to segregate with disease in at least 3 individuals from 2 families (PMID: 15292360, 23295303) (PP1). Functional studies have shown that this variant alters RET protein function (PMID: 10445857, 17209045) (PS3). Multiple computational algorithms predict a deleterious effect for this variant (REVEL score: 0.733) (PP3). This variant has a 0.0050% maximum allele frequency in non-founder control populations (PM2). Based on the current evidence, this variant is classified as pathogenic for autosomal dominant familial medullary thyroid carcinoma.

Molecular Pathology, Peter Maccallum Cancer Centre
Classification: Pathogenic for Multiple endocrine neoplasia, type 2. Last evaluated: 2025-03-07. Review status: criteria provided, single submitter. Criteria: ACMG Guidelines, 2015. Collection method: clinical testing. Allele origin: germline. Inheritance: Autosomal dominant inheritance.

Laboratory of Genetics, Children's Clinical University Hospital Latvia
Classification: Pathogenic. Last evaluated: 2025-02-16. Review status: criteria provided, single submitter. Criteria: ACMG Guidelines, 2015. Collection method: clinical testing. Allele origin: germline. Affected: yes.

Genomic Medicine Center of Excellence, King Faisal Specialist Hospital and Research Centre
Classification: Pathogenic for Hirschsprung disease, susceptibility to, 1. Last evaluated: 2024-12-19. Review status: criteria provided, single submitter. Criteria: ACMG Guidelines, 2015. Collection method: clinical testing. Allele origin: germline.

Ambry Genetics
Classification: Pathogenic for Hereditary cancer-predisposing syndrome. Last evaluated: 2024-10-10. Review status: criteria provided, single submitter. Criteria: Ambry Variant Classification Scheme 2023. Collection method: clinical testing. Allele origin: germline.
Comment: The p.S891A pathogenic mutation (also known as c.2671T>G), located in coding exon 15 of the RET gene, results from a T to G substitution at nucleotide position 2671. The serine at codon 891 is replaced by alanine, an amino acid with similar properties. This alteration has been identified in numerous ancestrally diverse individuals diagnosed with medullary thyroid cancer (MTC) or pheochromocytoma, or have a diagnosis of familial medullary thyroid cancer (FMTC) or multiple endocrine neoplasia type 2A (MEN2A) (Hofstra RM et al. J. Clin. Endocrinol. Metab. 1997 Dec;82:4176-8; Dang GT et al. Mol. Cell. Probes. 1999 Feb;13:77-9; Jimenez C et al. J. Clin. Endocrinol. Metab. 2004 Aug;89:4142-5; Plaza Menacho I et al. Cancer Res. 2005 Mar;65:1729-37; Hibi Y et al. Surg. Today. 2014 Nov;44:2195-200; Sromek M et al. Endocr. Pathol. 2017 Sep;28:198-206; Maciel RMB et al. Endocr Connect. 2019 03;8:289-298; Qi XP et al. BMC Cancer. 2021 Apr;21:369). One study summarizing data on seventy-four p.S891A mutation carriers found that while the majority had a FMTC phenotype, others had a MEN2A phenotype with early-onset MTC, invasive pheochromocytomas, and/or corneal nerve thickening (Schulte KM et al. J Clin Endocrinol Metab. 2010 Sep;95:E92-7). One study reported 2 of 12 families with p.S891A also had relatives with Hirschsprung disease in addition to MTC (Elisei R et al. Genes (Basel). 2019 09;10:). Analysis of the osteosarcoma identified this alteration in the hemizygous state as there was also copy number loss of part of chromosome 10 (Kovac M et al. J Med Genet. 2021 01;58:20-24). Experimental studies have demonstrated that this alteration results in a moderate transforming activity in in vitro assays and increases phosphorylation levels of downstream effectors (Iwashita T et al. Oncogene. 1999 Jul;18:3919-22; Plaza-Menacho I et al. J Biol Chem. 2007 Mar;282:6415-24; Qi XP et al. Oncotarget. 2015 Oct;6:33993-4003). The American Thyroid Association has designated this mutation as conferring moderate risk for MTC (formerly category A) (Wells SA et al. Thyroid. 2015 Jun; 25(6):567-610). Based on the supporting evidence, this variant is expected to be causative of MEN2A/ FMTC; however, its clinical significance for Hirschsprung disease is unclear.

NM_020975.6(RET):c.2671T>G (p.Ser891Ala)

Gene: RET (ret proto-oncogene; plus strand). Cytogenetic location: 10q11.21.
Variant type: single nucleotide variant.
Coding change: c.2671T>G on transcript NM_020975.6 (MANE Select); coding-DNA position 2671, T replaced by G.
Protein change: p.Ser891Ala; replaces serine 891 with alanine.
Molecular consequence: missense variant.
Genome position (GRCh38, 1-based): chr10:43,120,144, T>G. VCF-style: chr10-43120144-T-G. GRCh37 (hg19) VCF-style: chr10-43615592-T-G.
Other names: c.2671T>G, p.Ser891Ala (NM_001406743.1, NM_001406744.1, NM_001406759.1 and 4 more transcripts); c.2542T>G, p.Ser848Ala (NM_001406761.1, NM_001406762.1, NM_001406764.1); c.2536T>G, p.Ser846Ala (NM_001406763.1, NM_001406765.1); c.2383T>G, p.Ser795Ala (NM_001406766.1, NM_001406767.1, NM_001406770.1); c.1945T>G, p.Ser649Ala (NM_001406776.1, NM_001406777.1, NM_001406778.1 and 1 more transcripts); c.1774T>G, p.Ser592Ala (NM_001406779.1, NM_001406780.1, NM_001406781.1 and 1 more transcripts); c.1645T>G, p.Ser549Ala (NM_001406783.1, NM_001406786.1); c.1681T>G, p.Ser561Ala (NM_001406784.1); and 10 more; short protein forms S891A, S637A, S716A, S745A, S795A, S848A, S547A, S549A.
Identifiers: ClinVar variation 13951 (VCV000013951.57), dbSNP rs75234356, ClinGen allele CA008989.